The following is an entry in ClinVar:

NM_000020.3(ACVRL1):c.890A>G (p.His297Arg)

Gene: ACVRL1 (activin A receptor like type 1; plus strand). Cytogenetic location: 12q13.13.
Variant type: single nucleotide variant.
Coding change: c.890A>G on transcript NM_000020.3 (MANE Select); coding-DNA position 890, A replaced by G.
Protein change: p.His297Arg; replaces histidine 297 with arginine.
Molecular consequence: missense variant.
Genome position (GRCh38, 1-based): chr12:51,915,342, A>G. VCF-style: chr12-51915342-A-G. GRCh37 (hg19) VCF-style: chr12-52309126-A-G.
Other names: c.890A>G, p.His297Arg (NM_001077401.2); short protein forms H297R.
Identifiers: ClinVar variation 161204 (VCV000161204.15), dbSNP rs139380315, ClinGen allele CA211332.

ClinVar aggregate classification (germline): Conflicting classifications of pathogenicity. Review status: criteria provided, conflicting classifications (1 of 4 stars). 8 submissions from 8 submitters: Uncertain significance (3); Likely benign (4). 1 of the submissions does not count toward it. Last evaluated 2024-10-11.

Conditions:
Cardiovascular phenotype. Identifiers: MedGen CN230736.
Haemorrhagic telangiectasia 2.
Telangiectasia, hereditary hemorrhagic, type 2 (HHT2). Also called: ACVRL1-Related Hereditary Hemorrhagic Telangiectasia; Telangiectasia, hereditary hemorrhagic, type II. Identifiers: Orphanet 774, MedGen C1838163, MONDO:0010880, OMIM 600376. Disease mechanism: loss of function.

Allele frequency attached by ClinVar (database versions not stated): gnomAD exomes 0.00010 and 0.00018; gnomAD 0.00011; TOPMed 0.00011; ExAC 0.00014; 1000 Genomes Project 30x 0.00016; 1000 Genomes Project 0.00020; ESP Exome Variant Server 0.00023.
gnomAD v4.1: 282 of 1,614,116 alleles (0.017%); highest among the groups gnomAD compares: Non-Finnish European, 0.022%; no homozygotes.

Submissions (8):

Ambry Genetics
Classification: Likely benign for Cardiovascular phenotype. Last evaluated: 2024-10-11. Review status: criteria provided, single submitter. Criteria: Ambry Variant Classification Scheme 2023. Collection method: clinical testing. Allele origin: germline.

Blueprint Genetics
Classification: Likely benign. Last evaluated: 2024-09-06. Review status: criteria provided, single submitter. Criteria: ACMG Guidelines, 2015. Collection method: clinical testing. Allele origin: germline.

Women's Health and Genetics/Laboratory Corporation of America, LabCorp
Classification: Likely benign. Last evaluated: 2024-03-06. Review status: criteria provided, single submitter. Criteria: LabCorp Variant Classification Summary - May 2015. Collection method: clinical testing. Allele origin: germline.
Comment: Variant summary: ACVRL1 c.890A>G (p.His297Arg) results in a non-conservative amino acid change located in the Protein kinase domain (IPR000719) of the encoded protein sequence. Four of five in-silico tools predict a benign effect of the variant on protein function. The variant allele was found at a frequency of 9.6e-05 in 251252 control chromosomes. The observed variant frequency is approximately 3-fold of the estimated maximal expected allele frequency for a pathogenic variant in ACVRL1 causing Hereditary Hemorrhagic Telangiectasia phenotype (3.3e-05), strongly suggesting that the variant is benign. c.890A>G has been reported in the literature in individuals from a family affected with Hereditary Hemorrhagic Telangiectasia, without pedigree and co-occurring information for further analysis (example, Fernandez_2006), this variant also did not segregate with disease in a subsequent study (McDonald_2009). These report(s) do not provide unequivocal conclusions about association of the variant with Hereditary Hemorrhagic Telangiectasia. Co-occurrences with other pathogenic variant(s) have been reported in an individual affected with epistaxis (ACVRL1 c.1030T>C , p.Cys344Arg), providing supporting evidence for a benign role (McDonald_2009). To our knowledge, no experimental evidence demonstrating an impact on protein function has been reported. The following publications have been ascertained in the context of this evaluation (PMID: 25637381, 24055113, 16470589, 19767588). ClinVar contains an entry for this variant (Variation ID: 161204). Based on the evidence outlined above, the variant was classified as likely benign.

Fulgent Genetics
Classification: Likely benign for Telangiectasia, hereditary hemorrhagic, type 2. Last evaluated: 2024-02-25. Review status: criteria provided, single submitter. Criteria: ACMG Guidelines, 2015. Collection method: clinical testing. Allele origin: germline.

GeneDx
Classification: Uncertain significance. Last evaluated: 2023-02-13. Review status: criteria provided, single submitter. Criteria: GeneDx Variant Classification Process June 2021. Collection method: clinical testing. Allele origin: germline. Affected: yes.
Comment: Has been reported as a variant of uncertain significance in a patient and other affected family members with HHT that also harbored a p.(C344R) variant in the ACVRL1 gene (McDonald et al., 2009); In silico analysis supports that this missense variant does not alter protein structure/function; This variant is associated with the following publications: (PMID: 24055113, 25637381, 16705692, 19767588, 16470589)

Labcorp Genetics (formerly Invitae), Labcorp
Classification: Uncertain significance for Telangiectasia, hereditary hemorrhagic, type 2. Last evaluated: 2021-08-13. Review status: criteria provided, single submitter. Criteria: Invitae Variant Classification Sherloc (09022015). Collection method: clinical testing. Allele origin: germline.
Comment: This sequence change replaces histidine with arginine at codon 297 of the ACVRL1 protein (p.His297Arg). The histidine residue is weakly conserved and there is a small physicochemical difference between histidine and arginine. This variant is present in population databases (rs139380315, ExAC 0.03%), and has an allele count higher than expected for a pathogenic variant (PMID: 28166811). This missense change has been observed in individual(s) with ACVRL1-related conditions (PMID: 6470589, 19767588). It has also been observed to segregate with disease in related individuals. ClinVar contains an entry for this variant (Variation ID: 161204). Algorithms developed to predict the effect of missense changes on protein structure and function output the following: SIFT: "Tolerated"; PolyPhen-2: "Benign"; Align-GVGD: "Class C0". The arginine amino acid residue is found in multiple mammalian species, which suggests that this missense change does not adversely affect protein function. In summary, the available evidence is currently insufficient to determine the role of this variant in disease. Therefore, it has been classified as a Variant of Uncertain Significance.

Laboratory for Molecular Medicine, Mass General Brigham Personalized Medicine
Classification: Uncertain significance. Last evaluated: 2016-04-25. Review status: criteria provided, single submitter. Criteria: LMM Criteria. Collection method: clinical testing. Allele origin: germline. Observed: 1 variant allele.
Comment: Disclaimer: This variant has not undergone full assessment. The following are pr eliminary notes: Published as VUS; ExAC: 3/11550 Latino chromosomes

CSER _CC_NCGL, University of Washington
Classification: Uncertain significance for Haemorrhagic telangiectasia 2. Last evaluated: 2014-06-01. Review status: no assertion criteria provided. Collection method: research. Allele origin: germline. Inheritance: Autosomal dominant inheritance. Study: ESP 6500 variant annotation. Not counted in ClinVar's aggregate classification.
Comment: Variants classified for the Actionable exomic incidental findings in 6503 participants: challenges of variant classification manuscript

Literature cited by the submitters: PubMed 16470589 (cited by 3 submitters); PubMed 16705692 (cited by Ambry Genetics and Laboratory for Molecular Medicine, Mass General Brigham Personalized Medicine); PubMed 19767588 (cited by 4 submitters); PubMed 24055113 (cited by Women's Health and Genetics/Laboratory Corporation of America, LabCorp and Laboratory for Molecular Medicine, Mass General Brigham Personalized Medicine); PubMed 25637381 (cited by Women's Health and Genetics/Laboratory Corporation of America, LabCorp and Laboratory for Molecular Medicine, Mass General Brigham Personalized Medicine); PubMed 28166811 (cited by Labcorp Genetics (formerly Invitae), Labcorp); PubMed 6470589 (cited by Labcorp Genetics (formerly Invitae), Labcorp).